The following is an entry in ClinVar:

NM_000426.4(LAMA2):c.1824T>G (p.Tyr608Ter)

Gene: LAMA2 (laminin subunit alpha 2; plus strand). Cytogenetic location: 6q22.33.
Variant type: single nucleotide variant.
Coding change: c.1824T>G on transcript NM_000426.4 (MANE Select); coding-DNA position 1824, T replaced by G.
Protein change: p.Tyr608Ter; replaces tyrosine 608 with a stop codon.
Molecular consequence: nonsense.
Genome position (GRCh38, 1-based): chr6:129,250,153, T>G. VCF-style: chr6-129250153-T-G. GRCh37 (hg19) VCF-style: chr6-129571298-T-G.
Other names: c.1824T>G, p.Tyr608Ter (NM_001079823.2); short protein forms Y608*.
Identifiers: ClinVar variation 1071850 (VCV001071850.9), dbSNP rs2114276382, ClinGen allele CA365609545.

ClinVar aggregate classification (germline): Pathogenic (1 of 4 stars; one submission).

Conditions:
LAMA2-related muscular dystrophy (LAMA2-RD). Also called: Laminin alpha 2-related dystrophy. Identifiers: MedGen C5679788, MONDO:0100228.

Submission:

Labcorp Genetics (formerly Invitae), Labcorp
Classification: Pathogenic for LAMA2-related muscular dystrophy. Last evaluated: 2020-10-11. Review status: criteria provided, single submitter. Criteria: Invitae Variant Classification Sherloc (09022015). Collection method: clinical testing. Allele origin: germline.
Comment: For these reasons, this variant has been classified as Pathogenic. Algorithms developed to predict the effect of sequence changes on RNA splicing suggest that this variant may create or strengthen a splice site, but this prediction has not been confirmed by published transcriptional studies. This nonsense change has been observed in individual(s) with congenital muscular dystrophy (PMID: 30055037). This variant is not present in population databases (ExAC no frequency). This sequence change creates a premature translational stop signal (p.Tyr608*) in the LAMA2 gene. It is expected to result in an absent or disrupted protein product. Loss-of-function variants in LAMA2 are known to be pathogenic (PMID: 18700894).

Literature cited by the submitters: PubMed 30055037; PubMed 18700894.